The following is an entry in ClinVar:

ClinVar aggregate classification (germline): Likely benign. Review status: criteria provided, single submitter (1 of 4 stars). 2 submissions from 2 submitters: Likely benign (1). 1 of the submissions does not count toward it. Last evaluated 2024-07-27.

Conditions:
KLF1-related disorder. Also called: KLF1-Related Disorders; KLF1-related condition.

Allele frequency attached by ClinVar (database versions not stated): TOPMed 0.00001; gnomAD 0.00002; ExAC 0.00023.
gnomAD v4.1: 40 of 1,570,558 alleles (0.0025%); highest among the groups gnomAD compares: South Asian, 0.038%; no homozygotes.

Submissions (2):

Labcorp Genetics (formerly Invitae), Labcorp
Classification: Likely benign. Last evaluated: 2024-07-27. Review status: criteria provided, single submitter. Criteria: Invitae Variant Classification Sherloc (09022015). Collection method: clinical testing. Allele origin: germline.

PreventionGenetics, part of Exact Sciences
Classification: Likely benign for KLF1-related condition. Last evaluated: 2019-03-27. Review status: no assertion criteria provided. Collection method: clinical testing. Allele origin: germline. Not counted in ClinVar's aggregate classification.
Comment: This variant is classified as likely benign based on ACMG/AMP sequence variant interpretation guidelines (Richards et al. 2015 PMID: 25741868, with internal and published modifications).

NM_006563.5(KLF1):c.678G>A (p.Ala226=)

Gene: KLF1 (KLF transcription factor 1; minus strand). Cytogenetic location: 19p13.13.
Variant type: single nucleotide variant.
Coding change: c.678G>A on transcript NM_006563.5 (MANE Select); coding-DNA position 678, G replaced by A.
Protein change: p.Ala226=; no amino-acid change (alanine 226 retained).
Molecular consequence: synonymous variant.
Genome position (GRCh38, 1-based): chr19:12,885,552, C>T on the plus strand (G>A on the coding strand, the complement: KLF1 is on the minus strand). VCF-style: chr19-12885552-C-T. GRCh37 (hg19) VCF-style: chr19-12996366-C-T.
Identifiers: ClinVar variation 2962295 (VCV002962295.5), dbSNP rs760708625, ClinGen allele CA9234030.
Genomic context (GRCh38, chr19:12,885,552, plus strand): 5'-AGTGCCCACCGTCCCGGGTCCCAAACAACTCAGGAAGGAGGGGGACGTGGCGGGACCGGG[C>T]GCGGGTCCCTGGAGCCCGCGGAAGAGCTGGAAGTGCCCTTGGTACTGAGGCGCCGGGTAC-3'
Protein context (NP_006554.1, residues 216-236): FQLFRGLQGP[Ala226=]PGPATSPSFL